The following is an entry in ClinVar:

NM_001939.3(DRP2):c.2054A>G (p.Lys685Arg)

Gene: DRP2 (dystrophin related protein 2; plus strand). Cytogenetic location: Xq22.1.
Variant type: single nucleotide variant.
Coding change: c.2054A>G on transcript NM_001939.3 (MANE Select); coding-DNA position 2054, A replaced by G.
Protein change: p.Lys685Arg; replaces lysine 685 with arginine.
Molecular consequence: missense variant.
Genome position (GRCh38, 1-based): chrX:101,254,501, A>G. VCF-style: chrX-101254501-A-G. GRCh37 (hg19) VCF-style: chrX-100509490-A-G.
Other names: c.1820A>G, p.Lys607Arg (NM_001171184.2); short protein forms K607R, K685R.
Identifiers: ClinVar variation 1382677 (VCV001382677.8), dbSNP rs761725917, ClinGen allele CA10472395.

ClinVar aggregate classification (germline): Uncertain significance (1 of 4 stars; one submission).

Allele frequency attached by ClinVar (database versions not stated): TOPMed 0.00001; gnomAD 0.00002 and 0.00003; gnomAD exomes 0.00002 and 0.00005; ExAC 0.00007.
gnomAD v4.1: 29 of 1,210,457 alleles (0.0024%); highest among the groups gnomAD compares: East Asian, 0.077%; no homozygotes.

Submission:

Labcorp Genetics (formerly Invitae), Labcorp
Classification: Uncertain significance. Last evaluated: 2024-11-05. Review status: criteria provided, single submitter. Criteria: Invitae Variant Classification Sherloc (09022015). Collection method: clinical testing. Allele origin: germline.
Comment: This sequence change replaces lysine, which is basic and polar, with arginine, which is basic and polar, at codon 685 of the DRP2 protein (p.Lys685Arg). This variant is present in population databases (rs761725917, gnomAD 0.07%). This variant has not been reported in the literature in individuals affected with DRP2-related conditions. ClinVar contains an entry for this variant (Variation ID: 1382677). An algorithm developed to predict the effect of missense changes on protein structure and function outputs the following: PolyPhen-2: "Benign". The arginine amino acid residue is found in multiple mammalian species, which suggests that this missense change does not adversely affect protein function. In summary, the available evidence is currently insufficient to determine the role of this variant in disease. Therefore, it has been classified as a Variant of Uncertain Significance.